The following is an entry in ClinVar:

NM_016360.4(TACO1):c.613C>T (p.Arg205Cys)

Gene: TACO1 (translational activator of cytochrome c oxidase I; plus strand). Cytogenetic location: 17q23.3.
Variant type: single nucleotide variant.
Coding change: c.613C>T on transcript NM_016360.4 (MANE Select); coding-DNA position 613, C replaced by T.
Protein change: p.Arg205Cys; replaces arginine 205 with cysteine.
Molecular consequence: missense variant.
Genome position (GRCh38, 1-based): chr17:63,607,384, C>T. VCF-style: chr17-63607384-C-T. GRCh37 (hg19) VCF-style: chr17-61684744-C-T.
Other names: short protein forms R205C.
Identifiers: ClinVar variation 2160160 (VCV002160160.5), dbSNP rs752073110, ClinGen allele CA8702187.

ClinVar aggregate classification (germline): Uncertain significance. Review status: criteria provided, multiple submitters, no conflicts (2 of 4 stars). 2 submissions from 2 submitters: Uncertain significance (2). Last evaluated 2024-06-24.

Conditions:
Mitochondrial complex IV deficiency, nuclear type 8. Also called: Mitochondrial complex 4 deficiency, nuclear type 8. Identifiers: MedGen C5436689, MONDO:0033638, OMIM 619052.

Allele frequency attached by ClinVar (database versions not stated): gnomAD 0.00001; gnomAD exomes 0.00002; TOPMed 0.00002; ExAC 0.00004.

Submissions (2):

Fulgent Genetics
Classification: Uncertain significance for Mitochondrial complex IV deficiency, nuclear type 8. Last evaluated: 2024-06-24. Review status: criteria provided, single submitter. Criteria: ACMG Guidelines, 2015. Collection method: clinical testing. Allele origin: germline.

Labcorp Genetics (formerly Invitae), Labcorp
Classification: Uncertain significance. Last evaluated: 2024-01-08. Review status: criteria provided, single submitter. Criteria: Invitae Variant Classification Sherloc (09022015). Collection method: clinical testing. Allele origin: germline.
Comment: This sequence change replaces arginine, which is basic and polar, with cysteine, which is neutral and slightly polar, at codon 205 of the TACO1 protein (p.Arg205Cys). This variant is present in population databases (rs752073110, gnomAD 0.01%). This variant has not been reported in the literature in individuals affected with TACO1-related conditions. ClinVar contains an entry for this variant (Variation ID: 2160160). Advanced modeling of protein sequence and biophysical properties (such as structural, functional, and spatial information, amino acid conservation, physicochemical variation, residue mobility, and thermodynamic stability) performed at Invitae indicates that this missense variant is expected to disrupt TACO1 protein function with a positive predictive value of 80%. In summary, the available evidence is currently insufficient to determine the role of this variant in disease. Therefore, it has been classified as a Variant of Uncertain Significance.